The following is an entry in ClinVar:

ClinVar aggregate classification (germline): Conflicting classifications of pathogenicity. Review status: criteria provided, conflicting classifications (1 of 4 stars). 4 submissions from 4 submitters: Uncertain significance (3); Likely benign (1). Last evaluated 2024-10-30.

Conditions:
Landau-Kleffner syndrome (FESD). Also called: EPILEPSY, FOCAL, WITH SPEECH DISORDER AND WITH OR WITHOUT MENTAL RETARDATION; APHASIA, ACQUIRED, WITH EPILEPSY. Identifiers: Orphanet 1945, Orphanet 725, Orphanet 98818, MedGen C0282512, MONDO:0009509, OMIM 245570.
Inborn genetic diseases. Identifiers: MedGen C0950123, MeSH D030342.

Allele frequency attached by ClinVar (database versions not stated): TOPMed 0.00002.
gnomAD v4.1: 10 of 1,613,950 alleles (0.00062%); highest among the groups gnomAD compares: Non-Finnish European, 0.00085%; no homozygotes.

Submissions (4):

Labcorp Genetics (formerly Invitae), Labcorp
Classification: Likely benign for Landau-Kleffner syndrome. Last evaluated: 2024-10-30. Review status: criteria provided, single submitter. Criteria: Invitae Variant Classification Sherloc (09022015). Collection method: clinical testing. Allele origin: germline.

Pittsburgh Clinical Genomics Laboratory, University of Pittsburgh Medical Center
Classification: Uncertain significance for Landau-Kleffner syndrome. Last evaluated: 2024-06-20. Review status: criteria provided, single submitter. Criteria: ACMG Guidelines, 2015. Collection method: clinical testing. Allele origin: germline. Inheritance: Autosomal dominant inheritance. Affected: yes.
Comment: This sequence variant is a single nucleotide substitution (G>C) at position 4205 of the coding sequence of the GRIN2A gene that results in an arginine to proline amino acid change at residue 1402 of the glutamate ionotropic receptor NMDA type subunit 2A protein. This is a previously reported variant (ClinVar 624081) that has not been observed in individuals affected by a GRIN2A-related disorder in the published literature, to our knowledge. This variant is present in 10 of 1613950 alleles (0.00062%) in the gnomAD v4.1.0 population dataset. Multiple bioinformatic tools predict that this amino acid change would be damaging, and the Arg1402 residue at this position is highly conserved across the vertebrate species examined. Studies examining the functional consequence of this variant have not been published, to our knowledge. At this time, there is insufficient evidence to determine if this variant is pathogenic or benign. Therefore, we consider this a variant of uncertain significance. ACMG Criteria: PM2, PP3

CeGaT Center for Human Genetics Tuebingen
Classification: Uncertain significance. Last evaluated: 2018-06-01. Review status: criteria provided, single submitter. Criteria: CeGaT Center For Human Genetics Tuebingen Variant Classification Criteria Version 2. Collection method: clinical testing. Allele origin: germline. Affected: yes. Observed: 2 variant alleles.

Ambry Genetics
Classification: Uncertain significance for Inborn genetic diseases. Last evaluated: 2018-01-04. Review status: criteria provided, single submitter. Criteria: Ambry Variant Classification Scheme 2023. Collection method: clinical testing. Allele origin: germline.
Comment: The p.R1402P variant (also known as c.4205G>C), located in coding exon 12 of the GRIN2A gene, results from a G to C substitution at nucleotide position 4205. The arginine at codon 1402 is replaced by proline, an amino acid with dissimilar properties. This amino acid position is highly conserved in available vertebrate species. In addition, this alteration is predicted to be tolerated by in silico analysis. Since supporting evidence is limited at this time, the clinical significance of this alteration remains unclear.

NM_001134407.3(GRIN2A):c.4205G>C (p.Arg1402Pro)

Gene: GRIN2A (glutamate ionotropic receptor NMDA type subunit 2A; minus strand). Cytogenetic location: 16p13.2.
Variant type: single nucleotide variant.
Coding change: c.4205G>C on transcript NM_001134407.3 (MANE Select); coding-DNA position 4205, G replaced by C.
Protein change: p.Arg1402Pro; replaces arginine 1402 with proline.
Molecular consequence: missense variant. On other transcripts: 3 prime UTR variant (1).
Genome position (GRCh38, 1-based): chr16:9,763,339, C>G on the plus strand (G>C on the coding strand, the complement: GRIN2A is on the minus strand). VCF-style: chr16-9763339-C-G. GRCh37 (hg19) VCF-style: chr16-9857196-C-G.
Other names: c.4205G>C, p.Arg1402Pro (NM_000833.5); c.*16G>C (NM_001134408.2); short protein forms R1402P.
Identifiers: ClinVar variation 624081 (VCV000624081.54), dbSNP rs74935155, ClinGen allele CA394705777.